The following is an entry in ClinVar:

NM_018489.3(ASH1L):c.2728G>T (p.Val910Leu)

Gene: ASH1L (ASH1 like histone lysine methyltransferase; minus strand). Cytogenetic location: 1q22.
Variant type: single nucleotide variant.
Coding change: c.2728G>T on transcript NM_018489.3 (MANE Select); coding-DNA position 2728, G replaced by T.
Protein change: p.Val910Leu; replaces valine 910 with leucine.
Molecular consequence: missense variant.
Genome position (GRCh38, 1-based): chr1:155,480,142, C>A on the plus strand (G>T on the coding strand, the complement: ASH1L is on the minus strand). VCF-style: chr1-155480142-C-A. GRCh37 (hg19) VCF-style: chr1-155449933-C-A.
Other names: c.2728G>T, p.Val910Leu (NM_001366177.2); short protein forms V910L.
Identifiers: ClinVar variation 3345479 (VCV003345479.1).

ClinVar aggregate classification (germline): Uncertain significance (0 of 4 stars; one submission).

Conditions:
ASH1L-related disorder. Also called: ASH1L-related condition.

Submission:

PreventionGenetics, part of Exact Sciences
Classification: Uncertain significance for ASH1L-related condition. Last evaluated: 2024-04-24. Review status: no assertion criteria provided. Collection method: clinical testing. Allele origin: germline.
Comment: The ASH1L c.2728G>T variant is predicted to result in the amino acid substitution p.Val910Leu. To our knowledge, this variant has not been reported in the literature or in a large population database, indicating this variant is rare. At this time, the clinical significance of this variant is uncertain due to the absence of conclusive functional and genetic evidence.